The following is an entry in ClinVar:

NM_001190.4(BCAT2):c.616G>C (p.Val206Leu)

Gene: BCAT2 (branched chain amino acid transaminase 2; minus strand). Cytogenetic location: 19q13.33.
Variant type: single nucleotide variant.
Coding change: c.616G>C on transcript NM_001190.4 (MANE Select); coding-DNA position 616, G replaced by C.
Protein change: p.Val206Leu; replaces valine 206 with leucine.
Molecular consequence: missense variant.
Genome position (GRCh38, 1-based): chr19:48,799,754, C>G on the plus strand (G>C on the coding strand, the complement: BCAT2 is on the minus strand). VCF-style: chr19-48799754-C-G. GRCh37 (hg19) VCF-style: chr19-49303011-C-G.
Other names: c.340G>C, p.Val114Leu (NM_001164773.2); c.496G>C, p.Val166Leu (NM_001284325.2); short protein forms V114L, V166L, V206L.
Identifiers: ClinVar variation 3897949 (VCV003897949.2).
Genomic context (GRCh38, chr19:48,799,754, plus strand): 5'-CGACCCCGCCCACCCAGGCCCGGATGAAGGCTGGGTCGGCCAGGAGGGAGACCGGGGTCA[C>G]GGAGCCTCCAGGGAAGTAGGCACCCACTGGGCAGAGAATGACGAACAGGAGCGCGCGCGT-3'
Protein context (NP_001181.2, residues 196-216): PVGAYFPGGS[Val206Leu]TPVSLLADPA

ClinVar aggregate classification (germline): Uncertain significance (1 of 4 stars; one submission).

Conditions:
Hypervalinemia and hyperleucine-isoleucinemia (HVLI). Also called: BRANCHED-CHAIN AMINOTRANSFERASE DEFICIENCY; Hypervalinemia or hyperleucine-isoleucinemia. Identifiers: MedGen C5394277, MONDO:0100058, OMIM 618850.

gnomAD v4.1: 1 of 1,581,322 alleles (0.000063%); highest among the groups gnomAD compares: Non-Finnish European, 0.000086%; no homozygotes.

Submission:

Neuberg Centre For Genomic Medicine, NCGM
Classification: Uncertain significance for Hypervalinemia and hyperleucine-isoleucinemia. Last evaluated: 2024-02-01. Review status: criteria provided, single submitter. Criteria: ACMG Guidelines, 2015. Collection method: clinical testing. Allele origin: germline. Inheritance: Autosomal recessive inheritance.
Comment: This variant in BCAT2 gene has not been reported previously as a pathogenic variant nor as a benign variant, to our knowledge